The following is an entry in ClinVar:

NM_004972.4(JAK2):c.2670G>C (p.Glu890Asp)

Genes: INSL6 (insulin like 6; minus strand), JAK2 (Janus kinase 2; plus strand). Cytogenetic location: 9p24.1.
Variant type: single nucleotide variant.
Coding change: c.2670G>C on transcript NM_004972.4 (MANE Select); coding-DNA position 2670, G replaced by C.
Protein change: p.Glu890Asp; replaces glutamic acid 890 with aspartic acid.
Molecular consequence: missense variant. On other transcripts: non-coding transcript variant (2).
Genome position (GRCh38, 1-based): chr9:5,089,772, G>C. VCF-style: chr9-5089772-G-C. GRCh37 (hg19) VCF-style: chr9-5089772-G-C.
Other names: c.2670G>C, p.Glu890Asp (NM_001322194.2, NM_001322195.2, NM_001322196.2); c.1455G>C, p.Glu485Asp (NM_001322198.2, NM_001322199.2); c.2223G>C, p.Glu741Asp (NM_001322204.2); short protein forms E485D, E890D, E741D.
Identifiers: ClinVar variation 2846769 (VCV002846769.3), dbSNP rs1050768948, ClinGen allele CA188444433.

ClinVar aggregate classification (germline): Uncertain significance (1 of 4 stars; one submission).

Submission:

Labcorp Genetics (formerly Invitae), Labcorp
Classification: Uncertain significance. Last evaluated: 2023-03-17. Review status: criteria provided, single submitter. Criteria: Invitae Variant Classification Sherloc (09022015). Collection method: clinical testing. Allele origin: germline.
Comment: In summary, the available evidence is currently insufficient to determine the role of this variant in disease. Therefore, it has been classified as a Variant of Uncertain Significance. Advanced modeling of protein sequence and biophysical properties (such as structural, functional, and spatial information, amino acid conservation, physicochemical variation, residue mobility, and thermodynamic stability) performed at Invitae indicates that this missense variant is not expected to disrupt JAK2 protein function. This variant has not been reported in the literature in individuals affected with JAK2-related conditions. This variant is not present in population databases (gnomAD no frequency). This sequence change replaces glutamic acid, which is acidic and polar, with aspartic acid, which is acidic and polar, at codon 890 of the JAK2 protein (p.Glu890Asp).